The following is an entry in ClinVar:

ClinVar aggregate classification (germline): Likely pathogenic (1 of 4 stars; one submission).

Conditions:
Epilepsy, familial temporal lobe, 1. Identifiers: Orphanet 101046, MedGen CN030884, MONDO:0700090, OMIM 600512.

Submission:

Laboratorio de Genetica e Diagnostico Molecular, Hospital Israelita Albert Einstein
Classification: Likely pathogenic for Epilepsy, familial temporal lobe, 1. Last evaluated: 2021-11-23. Review status: criteria provided, single submitter. Criteria: ACMG Guidelines, 2015. Collection method: clinical testing. Allele origin: germline. Affected: yes.
Comment: ACMG classification criteria: PVS1 strong, PM2 moderate

NM_005097.4(LGI1):c.1095del (p.Asn365fs)

Gene: LGI1 (leucine rich glioma inactivated 1; plus strand). Cytogenetic location: 10q23.33.
Variant type: Deletion.
Coding change: c.1095del on transcript NM_005097.4 (MANE Select); coding-DNA position 1095, one base deleted (C; older notation c.1095delC).
Protein change: p.Asn365fs; shifts the reading frame from asparagine 365.
Molecular consequence: frameshift variant. On other transcripts: non-coding transcript variant (1), intron variant (1).
Genome position (GRCh38, 1-based): chr10:93,797,224, C deleted. VCF-style (leftmost placement, unchanged base first): chr10-93797223-AC-A. GRCh37 (hg19) VCF-style: chr10-95556980-AC-A.
Other names: c.1095delC (NM_005097.4); c.951del, p.Asn317fs (NM_001308276.2); c.839-525del (NM_001308275.2); short protein forms N317fs, N365fs.
Identifiers: ClinVar variation 1683626 (VCV001683626.2), dbSNP rs2134026453, ClinGen allele CA2573145863.
Genomic context (GRCh38, chr10:93,797,223, plus strand): 5'-ACTTTGTTGTTGCTGACAGTTCAAAAGCTGGTTTTACTACCATTTACAAATGGAACGGAA[AC>A]GGATTCTACTCCCATCAATCCTTACACGCGTGGTACAGGGACACTGATGTGGAATATCTA-3'